The following is an entry in ClinVar:

ClinVar aggregate classification (germline): Uncertain significance (1 of 4 stars; one submission).

Allele frequency attached by ClinVar (database versions not stated): gnomAD 0.00001; gnomAD exomes 0.00001; TOPMed 0.00001.
gnomAD v4.1: 6 of 1,613,904 alleles (0.00037%); highest among the groups gnomAD compares: African/African-American, 0.0027%; no homozygotes.

Submission:

Labcorp Genetics (formerly Invitae), Labcorp
Classification: Uncertain significance. Last evaluated: 2024-01-24. Review status: criteria provided, single submitter. Criteria: Invitae Variant Classification Sherloc (09022015). Collection method: clinical testing. Allele origin: germline.
Comment: This sequence change falls in intron 6 of the ATP1A1 gene. It does not directly change the encoded amino acid sequence of the ATP1A1 protein. It affects a nucleotide within the consensus splice site. This variant is not present in population databases (gnomAD no frequency). This variant has not been reported in the literature in individuals affected with ATP1A1-related conditions. Variants that disrupt the consensus splice site are a relatively common cause of aberrant splicing (PMID: 17576681, 9536098). Algorithms developed to predict the effect of sequence changes on RNA splicing suggest that this variant is not likely to affect RNA splicing. In summary, the available evidence is currently insufficient to determine the role of this variant in disease. Therefore, it has been classified as a Variant of Uncertain Significance.

Literature cited by the submitters: PubMed 17576681; PubMed 9536098.

NM_000701.8(ATP1A1):c.637-3T>C

Gene: ATP1A1 (ATPase Na+/K+ transporting subunit alpha 1; plus strand). Cytogenetic location: 1p13.1.
Variant type: single nucleotide variant.
Coding change: c.637-3T>C on transcript NM_000701.8 (MANE Select); 3 bases into the intron before coding-DNA position 637, T replaced by C.
Molecular consequence: intron variant.
Genome position (GRCh38, 1-based): chr1:116,388,899, T>C. VCF-style: chr1-116388899-T-C. GRCh37 (hg19) VCF-style: chr1-116931521-T-C.
Other names: c.637-3T>C (NM_001160233.2); c.544-3T>C (NM_001160234.2).
Identifiers: ClinVar variation 2789843 (VCV002789843.3), dbSNP rs1208655127, ClinGen allele CA525612439.
Genomic context (GRCh38, chr1:116,388,899, plus strand): 5'-ACAGTAGCCCATGATAAGGCTGGTGTATTCACATGACATTTTTCTTCTTTTCCTCACATA[T>C]AGGTGGATAACTCCTCGCTCACTGGTGAATCAGAACCCCAGACTAGGTCTCCAGATTTCA-3'